The following is an entry in ClinVar:

NM_002439.5(MSH3):c.873T>A (p.Phe291Leu)

Gene: MSH3 (mutS homolog 3; plus strand). Cytogenetic location: 5q14.1.
Variant type: single nucleotide variant.
Coding change: c.873T>A on transcript NM_002439.5 (MANE Select); coding-DNA position 873, T replaced by A.
Protein change: p.Phe291Leu; replaces phenylalanine 291 with leucine.
Molecular consequence: missense variant.
Genome position (GRCh38, 1-based): chr5:80,672,324, T>A. VCF-style: chr5-80672324-T-A. GRCh37 (hg19) VCF-style: chr5-79968143-T-A.
Other names: c.873T>A (NM_002439.3); short protein forms F291L.
Identifiers: ClinVar variation 1914486 (VCV001914486.6), dbSNP rs574407749, ClinGen allele CA3327731.
Genomic context (GRCh38, chr5:80,672,324, plus strand): 5'-TATTTATTGCCATTTAGATCACAACTTTATGACAGCAAGTATACCTACTCACAGACTGTT[T>A]GTTCATGTACGCCGCCTGGTGGCAAAAGGATATAAGGTCAGCTTTGGCTTTAACTTGTGG-3'
Protein context (NP_002430.3, residues 281-301): MTASIPTHRL[Phe291Leu]VHVRRLVAKG

ClinVar aggregate classification (germline): Uncertain significance. Review status: criteria provided, multiple submitters, no conflicts (2 of 4 stars). 2 submissions from 2 submitters: Uncertain significance (2). Last evaluated 2025-11-21.

Conditions:
Hereditary cancer-predisposing syndrome. Also called: Neoplastic Syndromes, Hereditary; Hereditary Cancer Syndrome; Tumor predisposition; Hereditary neoplastic syndrome. Identifiers: Orphanet 140162, MedGen C0027672, MeSH D009386, MONDO:0015356.

Allele frequency attached by ClinVar (database versions not stated): gnomAD 0.00001; 1000 Genomes Project 30x 0.00016; 1000 Genomes Project 0.00020.
gnomAD v4.1: 1 of 1,614,054 alleles (0.000062%); highest among the groups gnomAD compares: South Asian, 0.0011%; no homozygotes.

Submissions (2):

Labcorp Genetics (formerly Invitae), Labcorp
Classification: Uncertain significance. Last evaluated: 2025-11-21. Review status: criteria provided, single submitter. Criteria: Invitae Variant Classification Sherloc (09022015). Collection method: clinical testing. Allele origin: germline.
Comment: This sequence change replaces phenylalanine, which is neutral and non-polar, with leucine, which is neutral and non-polar, at codon 291 of the MSH3 protein (p.Phe291Leu). This variant is present in population databases (rs574407749, gnomAD 0.003%). This variant has not been reported in the literature in individuals affected with MSH3-related conditions. ClinVar contains an entry for this variant (Variation ID: 1914486). An algorithm developed to predict the effect of missense changes on protein structure and function (PolyPhen-2) suggests that this variant is likely to be disruptive. In summary, the available evidence is currently insufficient to determine the role of this variant in disease. Therefore, it has been classified as a Variant of Uncertain Significance.

Ambry Genetics
Classification: Uncertain significance for Hereditary cancer-predisposing syndrome. Last evaluated: 2024-11-18. Review status: criteria provided, single submitter. Criteria: Ambry Variant Classification Scheme 2023. Collection method: clinical testing. Allele origin: germline.
Comment: The p.F291L variant (also known as c.873T>A), located in coding exon 5 of the MSH3 gene, results from a T to A substitution at nucleotide position 873. The phenylalanine at codon 291 is replaced by leucine, an amino acid with highly similar properties. This amino acid position is conserved. In addition, the in silico prediction for this alteration is inconclusive. Based on the available evidence, the clinical significance of this variant remains unclear.